The following is an entry in ClinVar:

ClinVar aggregate classification (germline): Conflicting classifications of pathogenicity. Review status: criteria provided, conflicting classifications (1 of 4 stars). 3 submissions from 3 submitters: Uncertain significance (2); Likely benign (1). Last evaluated 2026-02-02.

Conditions:
Congenital muscular hypertrophy-cerebral syndrome (CDLS2). Also called: Cornelia de Lange syndrome 2; SMC1A-Related Cornelia de Lange Syndrome. Identifiers: Orphanet 199, MedGen C1802395, MONDO:0010370, OMIM 300590.

Allele frequency attached by ClinVar (database versions not stated): gnomAD exomes 0.00001; TOPMed 0.00001; gnomAD 0.00002.
gnomAD v4.1: 8 of 1,209,905 alleles (0.00066%); highest among the groups gnomAD compares: Non-Finnish European, 0.00089%; no homozygotes.

Submissions (3):

GeneDx
Classification: Uncertain significance. Last evaluated: 2026-02-02. Review status: criteria provided, single submitter. Criteria: GeneDx Variant Classification Process June 2021. Collection method: clinical testing. Allele origin: germline.
Comment: Reported previously in the cardiac tissue of a patient with an isolated congenital heart defect; however, there were numerous other variants reported and it was unclear if this variant was also present in blood (PMID: 35885997); Not observed at significant frequency in large population cohorts (gnomAD); Missense variants in this gene are a common cause of disease and they are underrepresented in the general population; In silico analysis suggests that this missense variant does not alter protein structure/function; This variant is associated with the following publications: (PMID: 35885997)

Labcorp Genetics (formerly Invitae), Labcorp
Classification: Uncertain significance for Congenital muscular hypertrophy-cerebral syndrome. Last evaluated: 2025-06-14. Review status: criteria provided, single submitter. Criteria: Invitae Variant Classification Sherloc (09022015). Collection method: clinical testing. Allele origin: germline.
Comment: This sequence change replaces lysine, which is basic and polar, with asparagine, which is neutral and polar, at codon 338 of the SMC1A protein (p.Lys338Asn). This variant is not present in population databases (gnomAD no frequency). This variant has not been reported in the literature in individuals affected with SMC1A-related conditions. ClinVar contains an entry for this variant (Variation ID: 2007143). Invitae Evidence Modeling of protein sequence and biophysical properties (such as structural, functional, and spatial information, amino acid conservation, physicochemical variation, residue mobility, and thermodynamic stability) indicates that this missense variant is not expected to disrupt SMC1A protein function with a negative predictive value of 80%. In summary, the available evidence is currently insufficient to determine the role of this variant in disease. Therefore, it has been classified as a Variant of Uncertain Significance.

Blueprint Genetics
Classification: Likely benign. Last evaluated: 2024-10-24. Review status: criteria provided, single submitter. Criteria: ACMG Guidelines, 2015. Collection method: clinical testing. Allele origin: germline.

NM_006306.4(SMC1A):c.1014G>C (p.Lys338Asn)

Gene: SMC1A (structural maintenance of chromosomes 1A; minus strand). Cytogenetic location: Xp11.22.
Variant type: single nucleotide variant.
Coding change: c.1014G>C on transcript NM_006306.4 (MANE Select); coding-DNA position 1014, G replaced by C.
Protein change: p.Lys338Asn; replaces lysine 338 with asparagine.
Molecular consequence: missense variant.
Genome position (GRCh38, 1-based): chrX:53,412,094, C>G on the plus strand (G>C on the coding strand, the complement: SMC1A is on the minus strand). VCF-style: chrX-53412094-C-G. GRCh37 (hg19) VCF-style: chrX-53439044-C-G.
Other names: c.948G>C, p.Lys316Asn (NM_001281463.1); c.1014G>C (NM_006306.2); short protein forms K316N, K338N.
Identifiers: ClinVar variation 2007143 (VCV002007143.6), dbSNP rs893697991, ClinGen allele CA329907584.